The following is an entry in ClinVar:

NM_004006.3(DMD):c.8060C>T (p.Thr2687Ile)

Gene: DMD (dystrophin; minus strand). Cytogenetic location: Xp21.1.
Variant type: single nucleotide variant.
Coding change: c.8060C>T on transcript NM_004006.3 (MANE Select); coding-DNA position 8060, C replaced by T.
Protein change: p.Thr2687Ile; replaces threonine 2687 with isoleucine.
Molecular consequence: missense variant.
Genome position (GRCh38, 1-based): chrX:31,627,830, G>A on the plus strand (C>T on the coding strand, the complement: DMD is on the minus strand). VCF-style: chrX-31627830-G-A. GRCh37 (hg19) VCF-style: chrX-31645947-G-A.
Other names: c.8036C>T, p.Thr2679Ile (NM_000109.4); c.8048C>T, p.Thr2683Ile (NM_004009.3); c.7691C>T, p.Thr2564Ile (NM_004010.3); c.4037C>T, p.Thr1346Ile (NM_004011.4); c.4028C>T, p.Thr1343Ile (NM_004012.4); c.680C>T, p.Thr227Ile (NM_004013.3, NM_004020.4, NM_004021.3 and 2 more transcripts); short protein forms T1346I, T227I, T2679I, T2564I, T1343I, T2683I, T2687I.
Identifiers: ClinVar variation 1761846 (VCV001761846.3), dbSNP rs777445572, ClinGen allele CA10378143.
Genomic context (GRCh38, chrX:31,627,830, plus strand): 5'-TCTGTAAGCCAGGCAAGAAACTTTTCCAGGTCCAGGGGGAACTGTTGCAGTAATCTATGA[G>A]TTTCTTCCAAAGCAGCCTCTCGCTCACTCACCCTGCAAAGGACCAAATGTTCAGATGCAA-3'
Protein context (NP_003997.2, residues 2677-2697): VSEREAALEE[Thr2687Ile]HRLLQQFPLD

ClinVar aggregate classification (germline): Uncertain significance. Review status: criteria provided, multiple submitters, no conflicts (2 of 4 stars). 2 submissions from 2 submitters: Uncertain significance (2). Last evaluated 2025-02-28.

Conditions:
Duchenne muscular dystrophy (DMD). Also called: MUSCULAR DYSTROPHY, PSEUDOHYPERTROPHIC PROGRESSIVE, DUCHENNE TYPE; Duchenne Muscular Dystrophy (DMD). Identifiers: Orphanet 98896, MedGen C0013264, MONDO:0010679, OMIM 310200.
Cardiovascular phenotype. Identifiers: MedGen CN230736.

Allele frequency attached by ClinVar (database versions not stated): ExAC 0.00001; TOPMed 0.00001.
gnomAD v4.1: 2 of 1,210,176 alleles (0.00017%); highest among the groups gnomAD compares: Non-Finnish European, 0.00022%; no homozygotes.

Submissions (2):

Labcorp Genetics (formerly Invitae), Labcorp
Classification: Uncertain significance for Duchenne muscular dystrophy. Last evaluated: 2025-02-28. Review status: criteria provided, single submitter. Criteria: Invitae Variant Classification Sherloc (09022015). Collection method: clinical testing. Allele origin: germline.
Comment: This sequence change replaces threonine, which is neutral and polar, with isoleucine, which is neutral and non-polar, at codon 2687 of the DMD protein (p.Thr2687Ile). This variant is present in population databases (rs777445572, gnomAD 0.001%). This variant has not been reported in the literature in individuals affected with DMD-related conditions. ClinVar contains an entry for this variant (Variation ID: 1761846). Invitae Evidence Modeling of protein sequence and biophysical properties (such as structural, functional, and spatial information, amino acid conservation, physicochemical variation, residue mobility, and thermodynamic stability) indicates that this missense variant is not expected to disrupt DMD protein function with a negative predictive value of 95%. In summary, the available evidence is currently insufficient to determine the role of this variant in disease. Therefore, it has been classified as a Variant of Uncertain Significance.

Ambry Genetics
Classification: Uncertain significance for Cardiovascular phenotype. Last evaluated: 2021-07-19. Review status: criteria provided, single submitter. Criteria: Ambry Variant Classification Scheme 2023. Collection method: clinical testing. Allele origin: germline.
Comment: The p.T2687I variant (also known as c.8060C>T), located in coding exon 55 of the DMD gene, results from a C to T substitution at nucleotide position 8060. The threonine at codon 2687 is replaced by isoleucine, an amino acid with similar properties. Based on data from gnomAD, the T allele has an overall frequency of 0.0006% (1/179410) total alleles studied, with no hemizygotes observed. The highest observed frequency was 0.001% (1/79676) of non-Finnish European alleles. This amino acid position is not well conserved in available vertebrate species. In addition, this alteration is predicted to be tolerated by in silico analysis. Since supporting evidence is limited at this time, the clinical significance of this alteration remains unclear.